The following is an entry in ClinVar:

NM_153741.2(DPM3):c.59C>T (p.Ala20Val)

Gene: DPM3 (dolichyl-phosphate mannosyltransferase subunit 3, regulatory; minus strand). Cytogenetic location: 1q22.
Variant type: single nucleotide variant.
Coding change: c.59C>T on transcript NM_153741.2 (MANE Select); coding-DNA position 59, C replaced by T.
Protein change: p.Ala20Val; replaces alanine 20 with valine.
Molecular consequence: missense variant.
Genome position (GRCh38, 1-based): chr1:155,140,182, G>A on the plus strand (C>T on the coding strand, the complement: DPM3 is on the minus strand). VCF-style: chr1-155140182-G-A. GRCh37 (hg19) VCF-style: chr1-155112658-G-A.
Other names: c.149C>T, p.Ala50Val (NM_018973.4); short protein forms A20V, A50V.
Identifiers: ClinVar variation 2413473 (VCV002413473.8), dbSNP rs771096059, ClinGen allele CA1138434.

ClinVar aggregate classification (germline): Uncertain significance (1 of 4 stars; one submission).

Conditions:
DPM3-congenital disorder of glycosylation (MDDGC15). Also called: DPM3-CDG; MUSCULAR DYSTROPHY-DYSTROGLYCANOPATHY (LIMB-GIRDLE), TYPE C, 15; CDG Io; CDG1(DPM3). Identifiers: Orphanet 263494, MedGen C2752007, MONDO:0013049, OMIM 612937.

Allele frequency attached by ClinVar (database versions not stated): gnomAD exomes below 0.00001; ExAC 0.00001.

Submission:

Labcorp Genetics (formerly Invitae), Labcorp
Classification: Uncertain significance for DPM3-congenital disorder of glycosylation. Last evaluated: 2022-08-22. Review status: criteria provided, single submitter. Criteria: Invitae Variant Classification Sherloc (09022015). Collection method: clinical testing. Allele origin: germline.
Comment: In summary, the available evidence is currently insufficient to determine the role of this variant in disease. Therefore, it has been classified as a Variant of Uncertain Significance. Algorithms developed to predict the effect of missense changes on protein structure and function (SIFT, PolyPhen-2, Align-GVGD) all suggest that this variant is likely to be tolerated. This variant has not been reported in the literature in individuals affected with DPM3-related conditions. This variant is present in population databases (rs771096059, gnomAD 0.0009%). This sequence change replaces alanine, which is neutral and non-polar, with valine, which is neutral and non-polar, at codon 20 of the DPM3 protein (p.Ala20Val).